The following is an entry in ClinVar:

ClinVar aggregate classification (germline): Likely benign (1 of 4 stars; one submission).

Submission:

Dasa
Classification: Likely benign. Last evaluated: 2024-12-11. Review status: criteria provided, single submitter. Criteria: DASA Assertion Criteria. Collection method: clinical testing. Allele origin: germline.
Comment: NM_004369.4(COL6A3):c.7163-5T>C is a splice-region variant. The variant context is inconsistent with a known disease-causing mechanism. Computational prediction algorithms are consistent with a benign effect. Therefore, based on the currently available evidence, this variant is classified as likely benign.

NM_004369.4(COL6A3):c.7163-5T>C

Gene: COL6A3 (collagen type VI alpha 3 chain; minus strand). Cytogenetic location: 2q37.3.
Variant type: single nucleotide variant.
Coding change: c.7163-5T>C on transcript NM_004369.4 (MANE Select); 5 bases into the intron before coding-DNA position 7163, T replaced by C.
Molecular consequence: intron variant.
Genome position (GRCh38, 1-based): chr2:237,344,957, A>G on the plus strand (T>C on the coding strand, the complement: COL6A3 is on the minus strand). VCF-style: chr2-237344957-A-G. GRCh37 (hg19) VCF-style: chr2-238253600-A-G.
Other names: c.5342-5T>C (NM_057166.5); c.6545-5T>C (NM_057167.4).
Identifiers: ClinVar variation 4852756 (VCV004852756.2).